The following is an entry in ClinVar:

ClinVar aggregate classification (germline): Pathogenic/Likely pathogenic. Review status: criteria provided, multiple submitters, no conflicts (2 of 4 stars). 3 submissions from 3 submitters: Pathogenic (2); Likely pathogenic (1). Last evaluated 2026-03-24.

Conditions:
Euthyroid goiter (MNG1). Also called: Goiter, multinodular 1, with or without Sertoli-Leydig cell tumors; GOITER, NONTOXIC, WITH INTRATHYROIDAL CALCIFICATION; MULTINODULAR GOITER, ADOLESCENT; SIMPLE GOITER. Identifiers: Orphanet 276399, MedGen C0302859, MONDO:0007681, OMIM 138800, HP:0009798.
Pleuropulmonary blastoma (PPB). Identifiers: Orphanet 64742, MedGen C1266144, MONDO:0011014, OMIM 601200, HP:0100528.
Global developmental delay - lung cysts - overgrowth - Wilms tumor syndrome. Also called: GLOW Syndrome; GLOBAL DEVELOPMENTAL DELAY, LUNG CYSTS, OVERGROWTH, AND WILMS TUMOR. Identifiers: Orphanet 404476, MedGen C4748924, MONDO:0018445, OMIM 618272.
Rhabdomyosarcoma, embryonal, 2 (RMSE2). Identifiers: MedGen C1867234, MONDO:0859046, OMIM 180295.
DICER1-related tumor predisposition. Also called: DICER1-related pleuropulmonary blastoma cancer predisposition syndrome; DICER1 syndrome. Identifiers: Orphanet 284343, MedGen C3839822, MONDO:0100216.

Submissions (3):

Myriad Genetics, Inc.
Classification: Pathogenic for DICER1-related tumor predisposition. Last evaluated: 2026-03-24. Review status: criteria provided, single submitter. Criteria: Myriad Autosomal Dominant, Autosomal Recessive and X-Linked Classification Criteria (2023). Collection method: clinical testing. Allele origin: unknown.
Comment: This variant is considered pathogenic. This variant creates a termination codon and is predicted to result in premature protein truncation.

Labcorp Genetics (formerly Invitae), Labcorp
Classification: Pathogenic for DICER1-related tumor predisposition. Last evaluated: 2024-06-09. Review status: criteria provided, single submitter. Criteria: Invitae Variant Classification Sherloc (09022015). Collection method: clinical testing. Allele origin: germline.
Comment: This sequence change creates a premature translational stop signal (p.Pro1763*) in the DICER1 gene. It is expected to result in an absent or disrupted protein product. Loss-of-function variants in DICER1 are known to be pathogenic (PMID: 19556464, 21266384). This variant is not present in population databases (gnomAD no frequency). This variant has not been reported in the literature in individuals affected with DICER1-related conditions. For these reasons, this variant has been classified as Pathogenic.

Juno Genomics, Hangzhou Juno Genomics, Inc
Classification: Likely pathogenic for Global developmental delay - lung cysts - overgrowth - Wilms tumor syndrome; Euthyroid goiter; Pleuropulmonary blastoma; Rhabdomyosarcoma, embryonal, 2. Review status: criteria provided, single submitter. Criteria: ACMG Guidelines, 2015. Collection method: clinical testing. Allele origin: germline.
Comment: Absent from controls (or at extremely low frequency if recessive) in Genome Aggregation Database.;Null variant in a gene where loss of function (LOF) is a known mechanism of disease.

Literature cited by the submitters: PubMed 19556464 (cited by Labcorp Genetics (formerly Invitae), Labcorp); PubMed 21266384 (cited by Labcorp Genetics (formerly Invitae), Labcorp).

NM_177438.3(DICER1):c.5286_5287del (p.Ser1762_Pro1763insTer)

Gene: DICER1 (dicer 1, ribonuclease III; minus strand). Cytogenetic location: 14q32.13.
Variant type: Microsatellite.
Coding change: c.5286_5287del on transcript NM_177438.3 (MANE Select); coding-DNA positions 5286 to 5287, 2 bases deleted (TC; older notation c.5286_5287delTC).
Protein change: p.Ser1762_Pro1763insTer.
Molecular consequence: frameshift variant. On other transcripts: non-coding transcript variant (6).
Genome position (GRCh38, 1-based): chr14:95,093,965-95,093,966, GA deleted on the plus strand (TC on the coding strand, the reverse complement: DICER1 is on the minus strand); deleting any 2 consecutive bases within chr14:95,093,965-95,093,970 gives the same sequence; the c. name uses the placement nearest the transcript's 3' end. VCF-style (leftmost placement, unchanged base first): chr14-95093964-GGA-G. GRCh37 (hg19) VCF-style: chr14-95560301-GGA-G.
Other names: c.5286_5287del, p.Ser1762_Pro1763insTer (NM_001195573.1, NM_001271282.3, NM_001291628.2 and 8 more transcripts); c.5004_5005del, p.Ser1668_Pro1669insTer (NM_001395686.1); c.4881_4882del, p.Ser1627_Pro1628insTer (NM_001395687.1, NM_001395688.1, NM_001395689.1 and 1 more transcripts); c.4719_4720del, p.Ser1573_Pro1574insTer (NM_001395691.1); c.3603_3604del, p.Ser1201_Pro1202insTer (NM_001395697.1).
Identifiers: ClinVar variation 3641118 (VCV003641118.5).